The following is an entry in ClinVar:

ClinVar aggregate classification (germline): Uncertain significance. Review status: criteria provided, multiple submitters, no conflicts (2 of 4 stars). 3 submissions from 3 submitters: Uncertain significance (3). Last evaluated 2025-05-26.

Conditions:
Inborn genetic diseases. Identifiers: MedGen C0950123, MeSH D030342.
Dyskeratosis congenita. Identifiers: Orphanet 1775, MedGen C0265965, MONDO:0015780.

Allele frequency attached by ClinVar (database versions not stated): ESP Exome Variant Server 0.00008; gnomAD 0.00008 and 0.00006; ExAC 0.00002; TOPMed 0.00006; gnomAD exomes 0.00002.

Submissions (3):

Dasa
Classification: Uncertain significance. Last evaluated: 2025-05-26. Review status: criteria provided, single submitter. Criteria: DASA Assertion Criteria. Collection method: clinical testing. Allele origin: germline.
Comment: NM_025099.6(CTC1):c.484C>T (p.Arg162Cys) is a missense variant that results in the substitution of arginine with cysteine. This variant is rare in population databases. Computational prediction algorithms are consistent with a benign effect. The currently available literature and clinical evidence are not sufficient to establish a definitive association between this variant and the reported condition. Therefore, this variant is classified as a variant of uncertain significance.

Ambry Genetics
Classification: Uncertain significance for Inborn genetic diseases. Last evaluated: 2024-12-25. Review status: criteria provided, single submitter. Criteria: Ambry Variant Classification Scheme 2023. Collection method: clinical testing. Allele origin: germline.

Labcorp Genetics (formerly Invitae), Labcorp
Classification: Uncertain significance for Dyskeratosis congenita. Last evaluated: 2022-09-21. Review status: criteria provided, single submitter. Criteria: Invitae Variant Classification Sherloc (09022015). Collection method: clinical testing. Allele origin: germline.
Comment: This sequence change replaces arginine, which is basic and polar, with cysteine, which is neutral and slightly polar, at codon 162 of the CTC1 protein (p.Arg162Cys). This variant is present in population databases (rs367666200, gnomAD 0.008%). This variant has not been reported in the literature in individuals affected with CTC1-related conditions. ClinVar contains an entry for this variant (Variation ID: 848659). Advanced modeling of protein sequence and biophysical properties (such as structural, functional, and spatial information, amino acid conservation, physicochemical variation, residue mobility, and thermodynamic stability) performed at Invitae indicates that this missense variant is not expected to disrupt CTC1 protein function. In summary, the available evidence is currently insufficient to determine the role of this variant in disease. Therefore, it has been classified as a Variant of Uncertain Significance.

NM_025099.6(CTC1):c.484C>T (p.Arg162Cys)

Gene: CTC1 (CST telomere replication complex component 1; minus strand). Cytogenetic location: 17p13.1.
Variant type: single nucleotide variant.
Coding change: c.484C>T on transcript NM_025099.6 (MANE Select); coding-DNA position 484, C replaced by T.
Protein change: p.Arg162Cys; replaces arginine 162 with cysteine.
Molecular consequence: missense variant. On other transcripts: non-coding transcript variant (1).
Genome position (GRCh38, 1-based): chr17:8,238,194, G>A on the plus strand (C>T on the coding strand, the complement: CTC1 is on the minus strand). VCF-style: chr17-8238194-G-A. GRCh37 (hg19) VCF-style: chr17-8141512-G-A.
Other names: short protein forms R162C.
Identifiers: ClinVar variation 848659 (VCV000848659.8), dbSNP rs367666200, ClinGen allele CA8372619.
Genomic context (GRCh38, chr17:8,238,194, plus strand): 5'-ACAGCTCCAAGTGCCCTTCCCCTGAGGAATTCCACCTGGCAGGAGGGAGGTAACTCCAAC[G>A]GGGGAACAGAAAAAGATGGCCCAACCAAGAAAGGTCCAGGTCTATGAGCTAAGAAAGACC-3'
Protein context (NP_079375.3, residues 152-172): SWLGHLFLFP[Arg162Cys]WSYLPPARWN